The following is an entry in ClinVar:

ClinVar aggregate classification (germline): Likely pathogenic (1 of 4 stars; one submission).

Conditions:
Autosomal recessive limb-girdle muscular dystrophy type 2U. Also called: Muscular dystrophy-dystroglycanopathy (limb-girdle), type c, 7; MUSCULAR DYSTROPHY, LIMB-GIRDLE, TYPE 2U. Identifiers: Orphanet 352479, MedGen C5190987, MONDO:0014474, OMIM 616052.
Muscular dystrophy-dystroglycanopathy (congenital with brain and eye anomalies), type A, 7. Also called: WALKER-WARBURG SYNDROME OR MUSCLE-EYE-BRAIN DISEASE, ISPD-RELATED; Congenital muscular dystrophy-dystroglycanopathy with brain and eye anomalies, type A7. Identifiers: Orphanet 899, MedGen C3553330, MONDO:0013835, OMIM 614643.

Submission:

Labcorp Genetics (formerly Invitae), Labcorp
Classification: Likely pathogenic for Congenital muscular dystrophy-dystroglycanopathy with brain and eye anomalies, type A7; Muscular dystrophy-dystroglycanopathy (limb-girdle), type c, 7. Last evaluated: 2018-11-30. Review status: criteria provided, single submitter. Criteria: Invitae Variant Classification Sherloc (09022015). Collection method: clinical testing. Allele origin: germline.
Comment: This variant is an in-frame deletion of the genomic region encompassing exons 7-8 of the ISPD gene. It preserves the integrity of the reading frame. This variant has not been reported in the literature in individuals with ISPD-related disease. A different single amino acid deletion within this deletion (p.Val372del) has been determined to be pathogenic (PMID: 23390185, 23288328). This suggests that the p.Val372 residue is critical for ISPD protein function and that other deletions of this region may also be pathogenic. In summary, the currently available evidence indicates that the variant is pathogenic, but additional data are needed to prove that conclusively. Therefore, this variant has been classified as Likely Pathogenic.

Literature cited by the submitters: PubMed 23390185; PubMed 23288328.

NC_000007.14:g.(?_16258380)_(16259022_?)del

Genes: CRPPA-AS1 (CRPPA antisense RNA 1; plus strand), CRPPA (CDP-L-ribitol pyrophosphorylase A; minus strand). Cytogenetic location: 7p21.2.
Variant type: Deletion.
Identifiers: ClinVar variation 661726 (VCV000661726.1).